The following is an entry in ClinVar:

NM_197968.4(ZMYM2):c.40C>G (p.Gln14Glu)

Gene: ZMYM2 (zinc finger MYM-type containing 2; plus strand). Cytogenetic location: 13q12.11.
Variant type: single nucleotide variant.
Coding change: c.40C>G on transcript NM_197968.4 (MANE Select); coding-DNA position 40, C replaced by G.
Protein change: p.Gln14Glu; replaces glutamine 14 with glutamic acid.
Molecular consequence: missense variant. On other transcripts: non-coding transcript variant (1).
Genome position (GRCh38, 1-based): chr13:19,993,112, C>G. VCF-style: chr13-19993112-C-G. GRCh37 (hg19) VCF-style: chr13-20567252-C-G.
Other names: c.40C>G, p.Gln14Glu (NM_001190964.4, NM_001190965.4, NM_001353157.2 and 6 more transcripts); c.106C>G, p.Gln36Glu (NM_001353161.3); short protein forms Q14E, Q36E.
Identifiers: ClinVar variation 3252306 (VCV003252306.1), dbSNP rs2501875316.

ClinVar aggregate classification (germline): Uncertain significance (1 of 4 stars; one submission).

Submission:

GeneDx
Classification: Uncertain significance. Last evaluated: 2023-12-07. Review status: criteria provided, single submitter. Criteria: GeneDx Variant Classification Process June 2021. Collection method: clinical testing. Allele origin: germline. Affected: yes.
Comment: Not observed at significant frequency in large population cohorts (gnomAD); In silico analysis supports that this missense variant does not alter protein structure/function; Has not been previously published as pathogenic or benign to our knowledge